The following is an entry in ClinVar:

ClinVar aggregate classification (germline): Pathogenic. Review status: criteria provided, single submitter (1 of 4 stars). 2 submissions from 2 submitters: Pathogenic (1). 1 of the submissions does not count toward it. Last evaluated 2022-08-20.

Conditions:
Polyglandular autoimmune syndrome, type 1 (APS1). Also called: AUTOIMMUNE POLYENDOCRINE SYNDROME, TYPE I, WITH OR WITHOUT REVERSIBLE METAPHYSEAL DYSPLASIA; APS I; Whitaker syndrome; Autoimmune polyendocrine syndrome type 1; Autoimmune polyendocrinopathy syndrome , type I, with or without reversible metaphyseal dysplasia; Autoimmune polyendocrinopathy syndrome, type I. Identifiers: Orphanet 3453, MedGen C0085859, MONDO:0009411, OMIM 240300.

Allele frequency attached by ClinVar (database versions not stated): gnomAD exomes below 0.00001; gnomAD 0.00001.
gnomAD v4.1: 2 of 1,611,808 alleles (0.00012%); highest among the groups gnomAD compares: Non-Finnish European, 0.00017%; no homozygotes.

Submissions (2):

Labcorp Genetics (formerly Invitae), Labcorp
Classification: Pathogenic for Polyglandular autoimmune syndrome, type 1. Last evaluated: 2022-08-20. Review status: criteria provided, single submitter. Criteria: Invitae Variant Classification Sherloc (09022015). Collection method: clinical testing. Allele origin: germline.
Comment: For these reasons, this variant has been classified as Pathogenic. This variant disrupts a region of the AIRE protein in which other variant(s) (p.Pro539Leu) have been determined to be pathogenic (PMID: 11836330, 15811934, 17289071, 21295522, 28446514). This suggests that this is a clinically significant region of the protein, and that variants that disrupt it are likely to be disease-causing. Variants that disrupt the consensus splice site are a relatively common cause of aberrant splicing (PMID: 17576681, 9536098). Algorithms developed to predict the effect of sequence changes on RNA splicing suggest that this variant may disrupt the consensus splice site. ClinVar contains an entry for this variant (Variation ID: 371075). This variant has not been reported in the literature in individuals affected with AIRE-related conditions. This variant is present in population databases (no rsID available, gnomAD 0.007%). This sequence change affects a donor splice site in intron 13 of the AIRE gene. While this variant is not anticipated to result in nonsense mediated decay, it likely alters RNA splicing and results in a disrupted protein product.

Counsyl
Classification: Likely pathogenic for Polyglandular autoimmune syndrome, type 1. Last evaluated: 2016-06-21. Review status: no assertion criteria provided. Collection method: clinical testing. Allele origin: unknown. Not counted in ClinVar's aggregate classification.

Literature cited by the submitters: PubMed 11836330 (cited by Labcorp Genetics (formerly Invitae), Labcorp); PubMed 15811934 (cited by Labcorp Genetics (formerly Invitae), Labcorp); PubMed 17289071 (cited by Labcorp Genetics (formerly Invitae), Labcorp); PubMed 21295522 (cited by Labcorp Genetics (formerly Invitae), Labcorp); PubMed 28446514 (cited by Labcorp Genetics (formerly Invitae), Labcorp); PubMed 17576681 (cited by Labcorp Genetics (formerly Invitae), Labcorp); PubMed 9536098 (cited by Labcorp Genetics (formerly Invitae), Labcorp).

NM_000383.4(AIRE):c.1566+2T>A

Genes: AIRE (autoimmune regulator; plus strand), LOC130066813 (ATAC-STARR-seq lymphoblastoid silent region 13378; plus strand). Cytogenetic location: 21q22.3.
Variant type: single nucleotide variant.
Coding change: c.1566+2T>A on transcript NM_000383.4 (MANE Select); the canonical splice donor site of the intron after coding-DNA position 1566, T replaced by A.
Molecular consequence: splice donor variant.
Genome position (GRCh38, 1-based): chr21:44,296,447, T>A. VCF-style: chr21-44296447-T-A. GRCh37 (hg19) VCF-style: chr21-45716330-T-A.
Identifiers: ClinVar variation 371075 (VCV000371075.8), dbSNP rs1057516985, ClinGen allele CA16042023.